The following is an entry in ClinVar:

ClinVar aggregate classification (germline): Conflicting classifications of pathogenicity. Review status: criteria provided, conflicting classifications (1 of 4 stars). 3 submissions from 3 submitters: Uncertain significance (2); Likely benign (1). Last evaluated 2026-01-11.

Conditions:
Congenital heart defects, multiple types, 5. Identifiers: MedGen C4693563, MONDO:0060663, OMIM 617912.

Allele frequency attached by ClinVar (database versions not stated): gnomAD exomes 0.00003 and 0.00008; ExAC 0.00007; ESP Exome Variant Server 0.00015; gnomAD 0.00026; TOPMed 0.00031.
gnomAD v4.1: 78 of 1,611,166 alleles (0.0048%); highest among the groups gnomAD compares: African/African-American, 0.095%; no homozygotes.

Submissions (3):

Labcorp Genetics (formerly Invitae), Labcorp
Classification: Likely benign. Last evaluated: 2026-01-11. Review status: criteria provided, single submitter. Criteria: Invitae Variant Classification Sherloc (09022015). Collection method: clinical testing. Allele origin: germline.

GeneDx
Classification: Uncertain significance. Last evaluated: 2025-11-05. Review status: criteria provided, single submitter. Criteria: GeneDx Variant Classification Process June 2021. Collection method: clinical testing. Allele origin: germline. Affected: yes.
Comment: Has not been previously published as pathogenic or benign to our knowledge; In silico analysis supports that this missense variant has a deleterious effect on protein structure/function; In silico analysis suggests this variant may impact gene splicing. In the absence of RNA/functional studies, the actual effect of this sequence change is unknown.

Revvity Omics, Revvity
Classification: Uncertain significance for Congenital heart defects, multiple types, 5. Last evaluated: 2022-05-16. Review status: criteria provided, single submitter. Criteria: ACMG Guidelines, 2015. Collection method: clinical testing. Allele origin: germline.

NM_080473.5(GATA5):c.1088A>G (p.Lys363Arg)

Gene: GATA5 (GATA binding protein 5; minus strand). Cytogenetic location: 20q13.33.
Variant type: single nucleotide variant.
Coding change: c.1088A>G on transcript NM_080473.5 (MANE Select); coding-DNA position 1088, A replaced by G.
Protein change: p.Lys363Arg; replaces lysine 363 with arginine.
Molecular consequence: missense variant.
Genome position (GRCh38, 1-based): chr20:62,464,942, T>C on the plus strand (A>G on the coding strand, the complement: GATA5 is on the minus strand). VCF-style: chr20-62464942-T-C. GRCh37 (hg19) VCF-style: chr20-61039998-T-C.
Other names: short protein forms K363R.
Identifiers: ClinVar variation 1220210 (VCV001220210.14), dbSNP rs140317494, ClinGen allele CA9946040.